The following is an entry in ClinVar:

ClinVar aggregate classification (germline): Likely benign (1 of 4 stars; one submission).

Allele frequency attached by ClinVar (database versions not stated): gnomAD 0.00002; ExAC 0.36000.

Submission:

Laboratory for Molecular Medicine, Mass General Brigham Personalized Medicine
Classification: Likely benign. Last evaluated: 2016-03-28. Review status: criteria provided, single submitter. Criteria: LMM Criteria. Collection method: clinical testing. Allele origin: germline.
Comment: Variant identified in a genome or exome case(s) and assessed due to predicted null impact of the variant or pathogenic assertions in the literature or databases. Disclaimer: This variant has not undergone full assessment. The following are preliminary notes: Low coverage in ExAC, silent not near splice site

NM_001099402.2(CCNK):c.1530A>C (p.Pro510=)

Genes: CCDC85C (coiled-coil domain containing 85C; minus strand), CCNK (cyclin K; plus strand). Cytogenetic location: 14q32.2.
Variant type: single nucleotide variant.
Coding change: c.1530A>C on transcript NM_001099402.2 (MANE Select); coding-DNA position 1530, A replaced by C.
Protein change: p.Pro510=; no amino-acid change (proline 510 retained).
Molecular consequence: synonymous variant. On other transcripts: 3 prime UTR variant (1).
Genome position (GRCh38, 1-based): chr14:99,510,569, A>C. VCF-style: chr14-99510569-A-C. GRCh37 (hg19) VCF-style: chr14-99976906-A-C.
Other names: c.*4677T>G (NM_001144995.2).
Identifiers: ClinVar variation 402508 (VCV000402508.4), dbSNP rs759190666, ClinGen allele CA7340883.